The following is an entry in ClinVar:

NM_201599.3(ZMYM3):c.2156G>A (p.Arg719Gln)

Gene: ZMYM3 (zinc finger MYM-type containing 3; minus strand). Cytogenetic location: Xq13.1.
Variant type: single nucleotide variant.
Coding change: c.2156G>A on transcript NM_201599.3 (MANE Select); coding-DNA position 2156, G replaced by A.
Protein change: p.Arg719Gln; replaces arginine 719 with glutamine.
Molecular consequence: missense variant.
Genome position (GRCh38, 1-based): chrX:71,247,503, C>T on the plus strand (G>A on the coding strand, the complement: ZMYM3 is on the minus strand). VCF-style: chrX-71247503-C-T. GRCh37 (hg19) VCF-style: chrX-70467353-C-T.
Other names: c.2156G>A, p.Arg719Gln (NM_001171162.1, NM_005096.3); short protein forms R719Q.
Identifiers: ClinVar variation 2631464 (VCV002631464.1), dbSNP rs1338083779, ClinGen allele CA413513554.

ClinVar aggregate classification (germline): Uncertain significance (1 of 4 stars; one submission).

Conditions:
ZMYM3-related disorder. Also called: ZMYM3-related condition.

Allele frequency attached by ClinVar (database versions not stated): gnomAD exomes below 0.00001; TOPMed 0.00001.
gnomAD v4.1: 2 of 1,209,428 alleles (0.00017%); highest among the groups gnomAD compares: Non-Finnish European, 0.00022%; no homozygotes.

Submission:

PreventionGenetics, part of Exact Sciences
Classification: Uncertain significance for ZMYM3-related condition. Last evaluated: 2023-08-03. Review status: criteria provided, single submitter. Criteria: ACMG Guidelines, 2015. Collection method: clinical testing. Allele origin: germline.
Comment: The ZMYM3 c.2156G>A variant is predicted to result in the amino acid substitution p.Arg719Gln. To our knowledge, this variant has not been reported in the literature or in a large population database, indicating this variant is rare. At this time, the clinical significance of this variant is uncertain due to the absence of conclusive functional and genetic evidence.